The following is an entry in ClinVar:

NM_000059.4(BRCA2):c.8629G>A (p.Glu2877Lys)

Gene: BRCA2 (BRCA2 DNA repair associated; plus strand). Cytogenetic location: 13q13.1.
Variant type: single nucleotide variant.
Coding change: c.8629G>A on transcript NM_000059.4 (MANE Select); coding-DNA position 8629, G replaced by A.
Protein change: p.Glu2877Lys; replaces glutamic acid 2877 with lysine.
Molecular consequence: missense variant.
Genome position (GRCh38, 1-based): chr13:32,371,097, G>A. VCF-style: chr13-32371097-G-A. GRCh37 (hg19) VCF-style: chr13-32945234-G-A.
Other names: short protein forms E2877K.
Identifiers: ClinVar variation 919233 (VCV000919233.8), dbSNP rs80359121, ClinGen allele CA387753012.

ClinVar aggregate classification (germline): Conflicting classifications of pathogenicity. Review status: criteria provided, conflicting classifications (1 of 4 stars). 2 submissions from 2 submitters: Uncertain significance (1); Likely benign (1). Last evaluated 2025-05-15.

Conditions:
Hereditary cancer-predisposing syndrome. Also called: Neoplastic Syndromes, Hereditary; Tumor predisposition; Hereditary Cancer Syndrome; Hereditary neoplastic syndrome. Identifiers: Orphanet 140162, MedGen C0027672, MeSH D009386, MONDO:0015356.

Submissions (2):

Ambry Genetics
Classification: Likely benign for Hereditary cancer-predisposing syndrome. Last evaluated: 2025-05-15. Review status: criteria provided, single submitter. Criteria: Ambry Variant Classification Scheme 2023. Collection method: clinical testing. Allele origin: germline.

Color Diagnostics, LLC DBA Color Health
Classification: Uncertain significance for Hereditary cancer-predisposing syndrome. Last evaluated: 2021-11-23. Review status: criteria provided, single submitter. Criteria: ACMG Guidelines, 2015. Collection method: clinical testing. Allele origin: germline.
Comment: This missense variant replaces glutamic acid with lysine at codon 2877 of the BRCA2 protein. Computational prediction suggests that this variant may not impact protein structure and function (internally defined REVEL score threshold <= 0.5, PMID: 27666373). To our knowledge, functional studies have not been reported for this variant. This variant has not been reported in individuals affected with hereditary cancer in the literature. This variant has not been identified in the general population by the Genome Aggregation Database (gnomAD). The available evidence is insufficient to determine the role of this variant in disease conclusively. Therefore, this variant is classified as a Variant of Uncertain Significance.